The following is an entry in ClinVar:

NM_004453.4(ETFDH):c.163_164del (p.Lys55fs)

Gene: ETFDH (electron transfer flavoprotein dehydrogenase; plus strand). Cytogenetic location: 4q32.1.
Variant type: Deletion.
Coding change: c.163_164del on transcript NM_004453.4 (MANE Select); coding-DNA positions 163 to 164, 2 bases deleted (AA; older notation c.163_164delAA).
Protein change: p.Lys55fs; shifts the reading frame from lysine 55.
Molecular consequence: frameshift variant. On other transcripts: intron variant (1).
Genome position (GRCh38, 1-based): chr4:158,680,595-158,680,596, AA deleted. VCF-style (leftmost placement, unchanged base first): chr4-158680594-CAA-C. GRCh37 (hg19) VCF-style: chr4-159601746-CAA-C.
Other names: c.35-1600_35-1599del (NM_001281737.2); short protein forms K55fs.
Identifiers: ClinVar variation 1457506 (VCV001457506.7), dbSNP rs2150304416, ClinGen allele CA2573138095.
Genomic context (GRCh38, chr4:158,680,594, plus strand): 5'-TTCAACTTCTACTGTGCCTCGAATTACTACCCATTATACTATTTATCCCCGGGATAAGGA[CAA>C]GAGATGGGAAGGTAAGTAATAATTTGTGTACAATTCCTGAGACTTTTCTGGATACTTTGT-3'

ClinVar aggregate classification (germline): Pathogenic/Likely pathogenic. Review status: criteria provided, multiple submitters, no conflicts (2 of 4 stars). 2 submissions from 2 submitters: Pathogenic (1); Likely pathogenic (1). Last evaluated 2024-05-25.

Conditions:
Multiple acyl-CoA dehydrogenase deficiency (MADD). Also called: Glutaric acidemia type II; GA 2; ETHYLMALONIC-ADIPICACIDURIA; GA II; Glutaric Acidemia type 2; Glutaric aciduria, type 2. Identifiers: Orphanet 26791, MedGen C0268596, MONDO:0009282, OMIM 231680.

Submissions (2):

Fulgent Genetics
Classification: Likely pathogenic for Multiple acyl-CoA dehydrogenase deficiency. Last evaluated: 2024-05-25. Review status: criteria provided, single submitter. Criteria: ACMG Guidelines, 2015. Collection method: clinical testing. Allele origin: germline.

Labcorp Genetics (formerly Invitae), Labcorp
Classification: Pathogenic for Multiple acyl-CoA dehydrogenase deficiency. Last evaluated: 2022-10-13. Review status: criteria provided, single submitter. Criteria: Invitae Variant Classification Sherloc (09022015). Collection method: clinical testing. Allele origin: germline.
Comment: For these reasons, this variant has been classified as Pathogenic. ClinVar contains an entry for this variant (Variation ID: 1457506). This variant has not been reported in the literature in individuals affected with ETFDH-related conditions. This variant is not present in population databases (gnomAD no frequency). This sequence change creates a premature translational stop signal (p.Lys55Glufs*40) in the ETFDH gene. It is expected to result in an absent or disrupted protein product. Loss-of-function variants in ETFDH are known to be pathogenic (PMID: 16510302, 23785301).

Literature cited by the submitters: PubMed 16510302 (cited by Labcorp Genetics (formerly Invitae), Labcorp); PubMed 23785301 (cited by Labcorp Genetics (formerly Invitae), Labcorp).